The following is an entry in ClinVar:

ClinVar aggregate classification (germline): Uncertain significance (1 of 4 stars; one submission).

Conditions:
Cystic fibrosis (CF). Also called: MUCOVISCIDOSIS. Identifiers: Orphanet 586, MedGen C0010674, MONDO:0009061, OMIM 219700. Disease mechanism: loss of function.

gnomAD v4.1: 4 of 1,613,370 alleles (0.00025%); highest among the groups gnomAD compares: East Asian, 0.0045%; no homozygotes.

Submission:

Ambry Genetics
Classification: Uncertain significance for Cystic fibrosis. Last evaluated: 2023-08-25. Review status: criteria provided, single submitter. Criteria: Ambry Variant Classification Scheme 2023. Collection method: clinical testing. Allele origin: germline.
Comment: The p.T1396I variant (also known as c.4187C>T), located in coding exon 26 of the CFTR gene, results from a C to T substitution at nucleotide position 4187. The threonine at codon 1396 is replaced by isoleucine, an amino acid with similar properties. This amino acid position is conserved. In addition, this alteration is predicted to be deleterious by in silico analysis. Since supporting evidence is limited at this time, the clinical significance of this alteration remains unclear.

NM_000492.4(CFTR):c.4187C>T (p.Thr1396Ile)

Gene: CFTR (CF transmembrane conductance regulator; plus strand). Cytogenetic location: 7q31.2.
Variant type: single nucleotide variant.
Coding change: c.4187C>T on transcript NM_000492.4 (MANE Select); coding-DNA position 4187, C replaced by T.
Protein change: p.Thr1396Ile; replaces threonine 1396 with isoleucine.
Molecular consequence: missense variant.
Genome position (GRCh38, 1-based): chr7:117,665,509, C>T. VCF-style: chr7-117665509-C-T. GRCh37 (hg19) VCF-style: chr7-117305563-C-T.
Other names: short protein forms T1396I.
Identifiers: ClinVar variation 2587613 (VCV002587613.2), dbSNP rs1282831495, ClinGen allele CA368983582.